The following is an entry in ClinVar:

ClinVar aggregate classification (germline): Uncertain significance (1 of 4 stars; one submission).

gnomAD v4.1: 3 of 1,613,988 alleles (0.00019%); highest among the groups gnomAD compares: Admixed American, 0.0017%; no homozygotes.

Submission:

Labcorp Genetics (formerly Invitae), Labcorp
Classification: Uncertain significance. Last evaluated: 2025-01-28. Review status: criteria provided, single submitter. Criteria: Invitae Variant Classification Sherloc (09022015). Collection method: clinical testing. Allele origin: germline.
Comment: This sequence change replaces glycine, which is neutral and non-polar, with glutamic acid, which is acidic and polar, at codon 259 of the COL10A1 protein (p.Gly259Glu). This variant is present in population databases (no rsID available, gnomAD no frequency). This variant has not been reported in the literature in individuals affected with COL10A1-related conditions. Invitae Evidence Modeling of protein sequence and biophysical properties (such as structural, functional, and spatial information, amino acid conservation, physicochemical variation, residue mobility, and thermodynamic stability) has been performed for this missense variant. However, the output from this modeling did not meet the statistical confidence thresholds required to predict the impact of this variant on COL10A1 protein function. In summary, the available evidence is currently insufficient to determine the role of this variant in disease. Therefore, it has been classified as a Variant of Uncertain Significance.

NM_000493.4(COL10A1):c.776G>A (p.Gly259Glu)

Genes: NT5DC1 (5'-nucleotidase domain containing 1; plus strand), COL10A1 (collagen type X alpha 1 chain; minus strand). Cytogenetic location: 6q22.1.
Variant type: single nucleotide variant.
Coding change: c.776G>A on transcript NM_000493.4 (MANE Select); coding-DNA position 776, G replaced by A.
Protein change: p.Gly259Glu; replaces glycine 259 with glutamic acid.
Molecular consequence: missense variant. On other transcripts: intron variant (1).
Genome position (GRCh38, 1-based): chr6:116,121,340, C>T on the plus strand (G>A on the coding strand, the complement: COL10A1 is on the minus strand). VCF-style: chr6-116121340-C-T. GRCh37 (hg19) VCF-style: chr6-116442503-C-T.
Other names: c.776G>A, p.Gly259Glu (NM_001424106.1, NM_001424107.1); c.529+3395C>T (NM_152729.3); short protein forms G259E.
Identifiers: ClinVar variation 3664726 (VCV003664726.2).